The following is an entry in ClinVar:

ClinVar aggregate classification (germline): Benign (0 of 4 stars; one submission).

Conditions:
PDZD2-related disorder. Also called: PDZD2-related condition.

Allele frequency attached by ClinVar (database versions not stated): 1000 Genomes Project 0.00200; 1000 Genomes Project 30x 0.00234; ESP Exome Variant Server 0.00408.
gnomAD v4.1: 6,774 of 1,605,000 alleles (0.42%); highest among the groups gnomAD compares: Admixed American, 0.55%; 35 homozygotes.

Submission:

PreventionGenetics, part of Exact Sciences
Classification: Benign for PDZD2-related condition. Last evaluated: 2019-02-19. Review status: no assertion criteria provided. Collection method: clinical testing. Allele origin: germline.
Comment: This variant is classified as benign based on ACMG/AMP sequence variant interpretation guidelines (Richards et al. 2015 PMID: 25741868, with internal and published modifications).

NM_178140.4(PDZD2):c.7797G>T (p.Ser2599=)

Gene: PDZD2 (PDZ domain containing 2; plus strand). Cytogenetic location: 5p13.3.
Variant type: single nucleotide variant.
Coding change: c.7797G>T on transcript NM_178140.4 (MANE Select); coding-DNA position 7797, G replaced by T.
Protein change: p.Ser2599=; no amino-acid change (serine 2599 retained).
Molecular consequence: synonymous variant.
Genome position (GRCh38, 1-based): chr5:32,092,976, G>T. VCF-style: chr5-32092976-G-T. GRCh37 (hg19) VCF-style: chr5-32093082-G-T.
Identifiers: ClinVar variation 3056159 (VCV003056159.2), dbSNP rs149447762, ClinGen allele CA3220390.
Genomic context (GRCh38, chr5:32,092,976, plus strand): 5'-ACTTCTAGTCTCAGCGGGGGACCAGCAAAGATTACAGTCTGTTTTATCGTCAGTGGGATC[G>T]AAATCTACCATCCTAACTCTCATTCAGGAAGCGAAAGCACAATCAGAGGTGAGTGAAACA-3'
Protein context (NP_835260.2, residues 2589-2609): RLQSVLSSVG[Ser2599=]KSTILTLIQE